The following is an entry in ClinVar:

ClinVar aggregate classification (germline): Uncertain significance (1 of 4 stars; one submission).

Conditions:
Developmental and epileptic encephalopathy, 23 (DEE23). Also called: Epileptic encephalopathy, early infantile, 23. Identifiers: Orphanet 411986, MedGen C4014492, MONDO:0014371, OMIM 615859.

Submission:

Labcorp Genetics (formerly Invitae), Labcorp
Classification: Uncertain significance for Developmental and epileptic encephalopathy, 23. Last evaluated: 2024-10-26. Review status: criteria provided, single submitter. Criteria: Invitae Variant Classification Sherloc (09022015). Collection method: clinical testing. Allele origin: germline.
Comment: This sequence change replaces methionine, which is neutral and non-polar, with valine, which is neutral and non-polar, at codon 1439 of the DOCK7 protein (p.Met1439Val). This variant is not present in population databases (gnomAD no frequency). This variant has not been reported in the literature in individuals affected with DOCK7-related conditions. ClinVar contains an entry for this variant (Variation ID: 1409526). Invitae Evidence Modeling of protein sequence and biophysical properties (such as structural, functional, and spatial information, amino acid conservation, physicochemical variation, residue mobility, and thermodynamic stability) indicates that this missense variant is not expected to disrupt DOCK7 protein function with a negative predictive value of 80%. In summary, the available evidence is currently insufficient to determine the role of this variant in disease. Therefore, it has been classified as a Variant of Uncertain Significance.

NM_001367561.1(DOCK7):c.4342A>G (p.Met1448Val)

Gene: DOCK7 (dedicator of cytokinesis 7; minus strand). Cytogenetic location: 1p31.3.
Variant type: single nucleotide variant.
Coding change: c.4342A>G on transcript NM_001367561.1 (MANE Select); coding-DNA position 4342, A replaced by G.
Protein change: p.Met1448Val; replaces methionine 1448 with valine.
Molecular consequence: missense variant.
Genome position (GRCh38, 1-based): chr1:62,510,614, T>C on the plus strand (A>G on the coding strand, the complement: DOCK7 is on the minus strand). VCF-style: chr1-62510614-T-C. GRCh37 (hg19) VCF-style: chr1-62976285-T-C.
Other names: c.4315A>G, p.Met1439Val (NM_001271999.2, NM_001330614.2); c.4222A>G, p.Met1408Val (NM_001272000.2, NM_001272001.2); c.4249A>G, p.Met1417Val (NM_033407.4); short protein forms M1439V, M1448V, M1417V, M1408V.
Identifiers: ClinVar variation 1409526 (VCV001409526.7), dbSNP rs2149333357, ClinGen allele CA340622769.